The following is an entry in ClinVar:

ClinVar aggregate classification (germline): Uncertain significance (1 of 4 stars; one submission).

Conditions:
Hereditary cancer-predisposing syndrome. Also called: Neoplastic Syndromes, Hereditary; Tumor predisposition; Hereditary Cancer Syndrome; Hereditary neoplastic syndrome. Identifiers: Orphanet 140162, MedGen C0027672, MeSH D009386, MONDO:0015356.

Submission:

Ambry Genetics
Classification: Uncertain significance for Hereditary cancer-predisposing syndrome. Last evaluated: 2026-06-09. Review status: criteria provided, single submitter. Criteria: Ambry Variant Classification Scheme 2023. Collection method: clinical testing. Allele origin: germline.
Comment: The p.P30L variant (also known as c.89C>T), located in coding exon 1 of the BLM gene, results from a C to T substitution at nucleotide position 89. The proline at codon 30 is replaced by leucine, an amino acid with similar properties. This amino acid position is conserved. In addition, the in silico prediction for this alteration is inconclusive. Based on the available evidence, the clinical significance of this variant remains unclear.

NM_000057.4(BLM):c.89C>T (p.Pro30Leu)

Gene: BLM (BLM RecQ like helicase; plus strand). Cytogenetic location: 15q26.1.
Variant type: single nucleotide variant.
Coding change: c.89C>T on transcript NM_000057.4 (MANE Select); coding-DNA position 89, C replaced by T.
Protein change: p.Pro30Leu; replaces proline 30 with leucine.
Molecular consequence: missense variant. On other transcripts: 5 prime UTR variant (1).
Genome position (GRCh38, 1-based): chr15:90,747,481, C>T. VCF-style: chr15-90747481-C-T. GRCh37 (hg19) VCF-style: chr15-91290711-C-T.
Other names: c.89C>T, p.Pro30Leu (NM_001287246.2, NM_001287247.2); c.-1203C>T (NM_001287248.2); short protein forms P30L.
Identifiers: ClinVar variation 4867525 (VCV004867525.1).